The following is an entry in ClinVar:

NM_000384.3(APOB):c.5689C>T (p.Arg1897Cys)

Gene: APOB (apolipoprotein B; minus strand). Cytogenetic location: 2p24.1.
Variant type: single nucleotide variant.
Coding change: c.5689C>T on transcript NM_000384.3 (MANE Select); coding-DNA position 5689, C replaced by T.
Protein change: p.Arg1897Cys; replaces arginine 1897 with cysteine.
Molecular consequence: missense variant.
Genome position (GRCh38, 1-based): chr2:21,011,179, G>A on the plus strand (C>T on the coding strand, the complement: APOB is on the minus strand). VCF-style: chr2-21011179-G-A. GRCh37 (hg19) VCF-style: chr2-21234051-G-A.
Other names: short protein forms R1897C.
Identifiers: ClinVar variation 925418 (VCV000925418.17), dbSNP rs189341276, ClinGen allele CA062331.

ClinVar aggregate classification (germline): Conflicting classifications of pathogenicity. Review status: criteria provided, conflicting classifications (1 of 4 stars). 5 submissions from 5 submitters: Uncertain significance (4); Likely benign (1). Last evaluated 2025-09-05.

Conditions:
Cardiovascular phenotype. Identifiers: MedGen CN230736.
Familial hypobetalipoproteinemia 1. Also called: Hypobetalipoproteinemia, normotriglyceridemic; Acanthocytosis with hypobetalipoproteinemia; APOB-Related Familial Hypobetalipoproteinemia. Identifiers: MedGen C4551990, MONDO:0014252, OMIM 615558.
Hypercholesterolemia, autosomal dominant, type B (FHCL2). Also called: Familial Hypercholesterolemia Type B; Familial hypercholesterolemia 2; Hyperlipoproteinemia Type IIb; HYPERCHOLESTEROLEMIA, FAMILIAL, DUE TO LIGAND-DEFECTIVE APOLIPOPROTEIN B; APOLIPOPROTEIN B-100, FAMILIAL DEFECTIVE; APOLIPOPROTEIN B-100, FAMILIAL LIGAND-DEFECTIVE. Identifiers: MedGen C1704417, MONDO:0007751, OMIM 144010.

Allele frequency attached by ClinVar (database versions not stated): TOPMed 0.00020; 1000 Genomes Project 30x 0.00047; 1000 Genomes Project 0.00060.
gnomAD v4.1: 32 of 1,614,142 alleles (0.002%); highest among the groups gnomAD compares: Admixed American, 0.038%; no homozygotes.

Submissions (5):

Labcorp Genetics (formerly Invitae), Labcorp
Classification: Likely benign for Familial hypobetalipoproteinemia 1; Hypercholesterolemia, autosomal dominant, type B. Last evaluated: 2025-09-05. Review status: criteria provided, single submitter. Criteria: Invitae Variant Classification Sherloc (09022015). Collection method: clinical testing. Allele origin: germline.

Quest Diagnostics Nichols Institute San Juan Capistrano
Classification: Uncertain significance. Last evaluated: 2024-12-03. Review status: criteria provided, single submitter. Criteria: Quest Diagnostics criteria. Collection method: clinical testing. Allele origin: unknown.
Comment: The APOB c.5689C>T (p.Arg1897Cys) variant has not been reported in individuals with APOB-related conditions in the published literature. The frequency of this variant in the general population (Genome Aggregation Database) is uninformative in the assessment of its pathogenicity. Analysis of this variant using bioinformatics tools for the prediction of the effect of amino acid changes on protein structure and function yielded conflicting predictions that this variant is benign or damaging. Based on the available information, we are unable to determine the clinical significance of this variant.

Ambry Genetics
Classification: Uncertain significance for Cardiovascular phenotype. Last evaluated: 2024-08-16. Review status: criteria provided, single submitter. Criteria: Ambry Variant Classification Scheme 2023. Collection method: clinical testing. Allele origin: germline.
Comment: The p.R1897C variant (also known as c.5689C>T), located in coding exon 26 of the APOB gene, results from a C to T substitution at nucleotide position 5689. The arginine at codon 1897 is replaced by cysteine, an amino acid with highly dissimilar properties. This amino acid position is poorly conserved in available vertebrate species. In addition, this alteration is predicted to be tolerated by in silico analysis. Since supporting evidence is limited at this time, the clinical significance of this alteration remains unclear.

Blueprint Genetics
Classification: Uncertain significance. Last evaluated: 2022-03-17. Review status: criteria provided, single submitter. Criteria: ACMG Guidelines, 2015. Collection method: clinical testing. Allele origin: germline.

Fulgent Genetics
Classification: Uncertain significance for Hypercholesterolemia, autosomal dominant, type B; Familial hypobetalipoproteinemia 1. Last evaluated: 2021-09-09. Review status: criteria provided, single submitter. Criteria: ACMG Guidelines, 2015. Collection method: clinical testing. Allele origin: unknown.

Literature cited by the submitters: PubMed 30122538 (cited by Quest Diagnostics Nichols Institute San Juan Capistrano).